The following is an entry in ClinVar:

ClinVar aggregate classification (germline): Likely pathogenic (1 of 4 stars; one submission).

Conditions:
X-linked severe combined immunodeficiency (SCIDX1). Also called: IMMUNODEFICIENCY 4; SCID, X-LINKED; SEVERE COMBINED IMMUNODEFICIENCY, X-LINKED, T CELL-NEGATIVE, B CELL-POSITIVE, NK CELL-NEGATIVE; X-Linked Combined Immunodeficiency Diseases; T-B+ severe combined immunodeficiency due to gamma chain deficiency. Identifiers: Orphanet 276, MedGen C6022468, MONDO:0010315, OMIM 300400. Disease mechanism: loss of function.

Submission:

Labcorp Genetics (formerly Invitae), Labcorp
Classification: Likely pathogenic for X-linked severe combined immunodeficiency. Last evaluated: 2025-12-30. Review status: criteria provided, single submitter. Criteria: Invitae Variant Classification Sherloc (09022015). Collection method: clinical testing. Allele origin: germline.
Comment: This sequence change replaces arginine, which is basic and polar, with leucine, which is neutral and non-polar, at codon 226 of the IL2RG protein (p.Arg226Leu). This variant is not present in population databases (gnomAD no frequency). This variant has not been reported in the literature in individuals affected with IL2RG-related conditions. Invitae Evidence Modeling of protein sequence and biophysical properties (such as structural, functional, and spatial information, amino acid conservation, physicochemical variation, residue mobility, and thermodynamic stability) indicates that this missense variant is expected to disrupt IL2RG protein function with a positive predictive value of 95%. This variant disrupts the p.Arg226 amino acid residue in IL2RG. Other variant(s) that disrupt this residue have been determined to be pathogenic (PMID: 9058718, 14966353, 22039266, 23683512). This suggests that this residue is clinically significant, and that variants that disrupt this residue are likely to be disease-causing. In summary, the currently available evidence indicates that the variant is pathogenic, but additional data are needed to prove that conclusively. Therefore, this variant has been classified as Likely Pathogenic.

Literature cited by the submitters: PubMed 9058718; PubMed 14966353; PubMed 22039266; PubMed 23683512.

NM_000206.3(IL2RG):c.677G>T (p.Arg226Leu)

Gene: IL2RG (interleukin 2 receptor subunit gamma; minus strand). Cytogenetic location: Xq13.1.
Variant type: single nucleotide variant.
Coding change: c.677G>T on transcript NM_000206.3 (MANE Select); coding-DNA position 677, G replaced by T.
Protein change: p.Arg226Leu; replaces arginine 226 with leucine.
Molecular consequence: missense variant.
Genome position (GRCh38, 1-based): chrX:71,109,308, C>A on the plus strand (G>T on the coding strand, the complement: IL2RG is on the minus strand). VCF-style: chrX-71109308-C-A. GRCh37 (hg19) VCF-style: chrX-70329158-C-A.
Other names: c.677G>T, p.Arg226Leu (NM_001438870.1); short protein forms R226L.
Identifiers: ClinVar variation 4709752 (VCV004709752.1).